The following is an entry in ClinVar:

NM_001376.5(DYNC1H1):c.2349G>C (p.Glu783Asp)

Gene: DYNC1H1 (dynein cytoplasmic 1 heavy chain 1; plus strand). Cytogenetic location: 14q32.31.
Variant type: single nucleotide variant.
Coding change: c.2349G>C on transcript NM_001376.5 (MANE Select); coding-DNA position 2349, G replaced by C.
Protein change: p.Glu783Asp; replaces glutamic acid 783 with aspartic acid.
Molecular consequence: missense variant.
Genome position (GRCh38, 1-based): chr14:101,986,574, G>C. VCF-style: chr14-101986574-G-C. GRCh37 (hg19) VCF-style: chr14-102452911-G-C.
Other names: short protein forms E783D.
Identifiers: ClinVar variation 2740265 (VCV002740265.4), dbSNP rs2503696087, ClinGen allele CA391023133.

ClinVar aggregate classification (germline): Uncertain significance. Review status: criteria provided, multiple submitters, no conflicts (2 of 4 stars). 2 submissions from 2 submitters: Uncertain significance (2). Last evaluated 2026-07-14.

Conditions:
Charcot-Marie-Tooth disease axonal type 2O. Also called: CHARCOT-MARIE-TOOTH DISEASE, AXONAL, AUTOSOMAL DOMINANT, TYPE 2O; CHARCOT-MARIE-TOOTH NEUROPATHY, AXONAL, TYPE 2O; Charcot-Marie-Tooth Neuropathy Type 2O; Charcot-Marie-Tooth disease, axonal, type 20. Identifiers: Orphanet 284232, MedGen C3280220, MONDO:0013644, OMIM 614228.
Inborn genetic diseases. Identifiers: MedGen C0950123, MeSH D030342.

Submissions (2):

Ambry Genetics
Classification: Uncertain significance for Inborn genetic diseases. Last evaluated: 2026-07-14. Review status: criteria provided, single submitter. Criteria: Ambry Variant Classification Scheme 2023. Collection method: clinical testing. Allele origin: germline.

Labcorp Genetics (formerly Invitae), Labcorp
Classification: Uncertain significance for Charcot-Marie-Tooth disease axonal type 2O. Last evaluated: 2023-06-27. Review status: criteria provided, single submitter. Criteria: Invitae Variant Classification Sherloc (09022015). Collection method: clinical testing. Allele origin: germline.
Comment: This sequence change replaces glutamic acid, which is acidic and polar, with aspartic acid, which is acidic and polar, at codon 783 of the DYNC1H1 protein (p.Glu783Asp). This variant is not present in population databases (gnomAD no frequency). This variant has not been reported in the literature in individuals affected with DYNC1H1-related conditions. Advanced modeling of protein sequence and biophysical properties (such as structural, functional, and spatial information, amino acid conservation, physicochemical variation, residue mobility, and thermodynamic stability) has been performed at Invitae for this missense variant, however the output from this modeling did not meet the statistical confidence thresholds required to predict the impact of this variant on DYNC1H1 protein function. In summary, the available evidence is currently insufficient to determine the role of this variant in disease. Therefore, it has been classified as a Variant of Uncertain Significance.